The following is an entry in ClinVar:

NM_006231.4(POLE):c.2571A>C (p.Leu857Phe)

Gene: POLE (DNA polymerase epsilon, catalytic subunit; minus strand). Cytogenetic location: 12q24.33.
Variant type: single nucleotide variant.
Coding change: c.2571A>C on transcript NM_006231.4 (MANE Select); coding-DNA position 2571, A replaced by C.
Protein change: p.Leu857Phe; replaces leucine 857 with phenylalanine.
Molecular consequence: missense variant.
Genome position (GRCh38, 1-based): chr12:132,664,139, T>G on the plus strand (A>C on the coding strand, the complement: POLE is on the minus strand). VCF-style: chr12-132664139-T-G. GRCh37 (hg19) VCF-style: chr12-133240725-T-G.
Other names: short protein forms L857F.
Identifiers: ClinVar variation 1716160 (VCV001716160.8), dbSNP rs2542063783, ClinGen allele CA387395925.

ClinVar aggregate classification (germline): Uncertain significance. Review status: criteria provided, multiple submitters, no conflicts (2 of 4 stars). 2 submissions from 2 submitters: Uncertain significance (2). Last evaluated 2023-07-17.

Conditions:
Hereditary cancer-predisposing syndrome. Also called: Neoplastic Syndromes, Hereditary; Tumor predisposition; Hereditary Cancer Syndrome; Hereditary neoplastic syndrome. Identifiers: Orphanet 140162, MedGen C0027672, MeSH D009386, MONDO:0015356.

Submissions (2):

Labcorp Genetics (formerly Invitae), Labcorp
Classification: Uncertain significance. Last evaluated: 2023-07-17. Review status: criteria provided, single submitter. Criteria: Invitae Variant Classification Sherloc (09022015). Collection method: clinical testing. Allele origin: germline.
Comment: In summary, the available evidence is currently insufficient to determine the role of this variant in disease. Therefore, it has been classified as a Variant of Uncertain Significance. Advanced modeling of protein sequence and biophysical properties (such as structural, functional, and spatial information, amino acid conservation, physicochemical variation, residue mobility, and thermodynamic stability) performed at Invitae indicates that this missense variant is expected to disrupt POLE protein function. ClinVar contains an entry for this variant (Variation ID: 1716160). This variant has not been reported in the literature in individuals affected with POLE-related conditions. This variant is not present in population databases (gnomAD no frequency). This sequence change replaces leucine, which is neutral and non-polar, with phenylalanine, which is neutral and non-polar, at codon 857 of the POLE protein (p.Leu857Phe).

Ambry Genetics
Classification: Uncertain significance for Hereditary cancer-predisposing syndrome. Last evaluated: 2022-07-05. Review status: criteria provided, single submitter. Criteria: Ambry Variant Classification Scheme 2023. Collection method: clinical testing. Allele origin: germline.
Comment: The p.L857F variant (also known as c.2571A>C), located in coding exon 23 of the POLE gene, results from an A to C substitution at nucleotide position 2571. The leucine at codon 857 is replaced by phenylalanine, an amino acid with highly similar properties. This amino acid position is conserved. In addition, the in silico prediction for this alteration is inconclusive. Since supporting evidence is limited at this time, the clinical significance of this alteration remains unclear.